The following is an entry in ClinVar:

ClinVar aggregate classification (germline): Uncertain significance (1 of 4 stars; one submission).

Conditions:
FBXW7-related disorder. Also called: FBXW7-related condition; FBXW7-related disorders.

Submission:

PreventionGenetics, part of Exact Sciences
Classification: Uncertain significance for FBXW7-related condition. Last evaluated: 2025-10-28. Review status: criteria provided, single submitter. Criteria: ACMG Guidelines, 2015. Collection method: clinical testing. Allele origin: germline.
Comment: The FBXW7 c.244A>G variant is predicted to result in the amino acid substitution p.Asn82Asp. To our knowledge, this variant has not been reported in the literature or in a large population database (gnomAD), indicating this variant is rare. At this time, the clinical significance of this variant is uncertain due to the absence of conclusive functional and genetic evidence.

NM_001349798.2(FBXW7):c.244A>G (p.Asn82Asp)

Gene: FBXW7 (F-box and WD repeat domain containing 7; minus strand). Cytogenetic location: 4q31.3.
Variant type: single nucleotide variant.
Coding change: c.244A>G on transcript NM_001349798.2 (MANE Select); coding-DNA position 244, A replaced by G.
Protein change: p.Asn82Asp; replaces asparagine 82 with aspartic acid.
Molecular consequence: missense variant.
Genome position (GRCh38, 1-based): chr4:152,411,560, T>C on the plus strand (A>G on the coding strand, the complement: FBXW7 is on the minus strand). VCF-style: chr4-152411560-T-C. GRCh37 (hg19) VCF-style: chr4-153332712-T-C.
Other names: c.244A>G, p.Asn82Asp (NM_001257069.1, NM_033632.3); short protein forms N82D.
Identifiers: ClinVar variation 5001942 (VCV005001942.1).